The following is an entry in ClinVar:

NM_000823.4(GHRHR):c.1146+1G>T

Gene: GHRHR (growth hormone releasing hormone receptor; plus strand). Cytogenetic location: 7p14.3.
Variant type: single nucleotide variant.
Coding change: c.1146+1G>T on transcript NM_000823.4 (MANE Select); the canonical splice donor site of the intron after coding-DNA position 1146, G replaced by T.
Molecular consequence: splice donor variant.
Genome position (GRCh38, 1-based): chr7:30,977,323, G>T. VCF-style: chr7-30977323-G-T. GRCh37 (hg19) VCF-style: chr7-31016938-G-T.
Identifiers: ClinVar variation 1971033 (VCV001971033.5), dbSNP rs1176768869, ClinGen allele CA367156845.

ClinVar aggregate classification (germline): Uncertain significance (1 of 4 stars; one submission).

Allele frequency attached by ClinVar (database versions not stated): gnomAD exomes below 0.00001; TOPMed below 0.00001; gnomAD 0.00002.
gnomAD v4.1: 8 of 1,613,676 alleles (0.0005%); highest among the groups gnomAD compares: Admixed American, 0.0017%; no homozygotes.

Submission:

Labcorp Genetics (formerly Invitae), Labcorp
Classification: Uncertain significance. Last evaluated: 2021-12-23. Review status: criteria provided, single submitter. Criteria: Invitae Variant Classification Sherloc (09022015). Collection method: clinical testing. Allele origin: germline.
Comment: In summary, the available evidence is currently insufficient to determine the role of this variant in disease. Therefore, it has been classified as a Variant of Uncertain Significance. Variants that disrupt the consensus splice site are a relatively common cause of aberrant splicing (PMID: 17576681, 9536098). Algorithms developed to predict the effect of sequence changes on RNA splicing suggest that this variant may disrupt the consensus splice site. This variant has not been reported in the literature in individuals affected with GHRHR-related conditions. This variant is present in population databases (no rsID available, gnomAD 0.0009%). This sequence change affects a donor splice site in intron 12 of the GHRHR gene. While this variant is not anticipated to result in nonsense mediated decay, it likely alters RNA splicing and results in a disrupted protein product.

Literature cited by the submitters: PubMed 17576681; PubMed 9536098.